The following is an entry in ClinVar:

NM_198859.4(PRICKLE2):c.444C>T (p.Arg148=)

Gene: PRICKLE2 (prickle planar cell polarity protein 2; minus strand). Cytogenetic location: 3p14.1.
Variant type: single nucleotide variant.
Coding change: c.444C>T on transcript NM_198859.4 (MANE Select); coding-DNA position 444, C replaced by T.
Protein change: p.Arg148=; no amino-acid change (arginine 148 retained).
Molecular consequence: synonymous variant.
Genome position (GRCh38, 1-based): chr3:64,157,318, G>A on the plus strand (C>T on the coding strand, the complement: PRICKLE2 is on the minus strand). VCF-style: chr3-64157318-G-A. GRCh37 (hg19) VCF-style: chr3-64142994-G-A.
Other names: c.444C>T, p.Arg148= (NM_001370528.1).
Identifiers: ClinVar variation 197904 (VCV000197904.20), dbSNP rs146538069, ClinGen allele CA246287.

ClinVar aggregate classification (germline): Benign/Likely benign. Review status: criteria provided, multiple submitters, no conflicts (2 of 4 stars). 4 submissions from 4 submitters: Benign (1); Likely benign (3). Last evaluated 2026-01-22.

Conditions:
Progressive myoclonic epilepsy. Also called: Myoclonus epilepsy; Myoclonic Epilepsies, Progressive; Progressive myoclonus epilepsy; Familial progressive myoclonic epilepsy. Identifiers: Orphanet 308, Orphanet 98261, MedGen C0751778, MONDO:0020074.
Progressive myoclonic epilepsy type 5. Identifiers: Orphanet 402082, MedGen C5190799.

Allele frequency attached by ClinVar (database versions not stated): 1000 Genomes Project 0.00080; 1000 Genomes Project 30x 0.00094; ExAC 0.00161; gnomAD exomes 0.00163 and 0.00322; gnomAD 0.00188 and 0.00190; TOPMed 0.00223; ESP Exome Variant Server 0.00284.
gnomAD v4.1: 4,950 of 1,613,902 alleles (0.31%); highest among the groups gnomAD compares: Non-Finnish European, 0.39%; 9 homozygotes.

Submissions (4):

Labcorp Genetics (formerly Invitae), Labcorp
Classification: Benign for Progressive myoclonic epilepsy type 5. Last evaluated: 2026-01-22. Review status: criteria provided, single submitter. Criteria: Invitae Variant Classification Sherloc (09022015). Collection method: clinical testing. Allele origin: germline.

Blueprint Genetics
Classification: Likely benign. Last evaluated: 2024-11-23. Review status: criteria provided, single submitter. Criteria: ACMG Guidelines, 2015. Collection method: clinical testing. Allele origin: germline.

Illumina Laboratory Services, Illumina
Classification: Likely benign for Progressive myoclonic epilepsy. Last evaluated: 2018-01-12. Review status: criteria provided, single submitter. Criteria: ICSL Variant Classification Criteria 13 December 2019. Collection method: clinical testing. Allele origin: germline.
Comment: This variant was observed in the ICSL laboratory as part of a predisposition screen in an ostensibly healthy population. It had not been previously curated by ICSL or reported in the Human Gene Mutation Database (HGMD: prior to June 1st, 2018), and was therefore a candidate for classification through an automated scoring system. Utilizing variant allele frequency, disease prevalence and penetrance estimates, and inheritance mode, an automated score was calculated to assess if this variant is too frequent to cause the disease. Based on the score and internal cut-off values, a variant classified as likely benign is not then subjected to further curation. The score for this variant resulted in a classification of likely benign for this disease.

Eurofins Ntd Llc (ga)
Classification: Likely benign. Last evaluated: 2017-04-12. Review status: criteria provided, single submitter. Criteria: EGL Classification Definitions 2015. Collection method: clinical testing. Allele origin: germline. Observed: 3 variant alleles, 3 heterozygotes.